The following is an entry in ClinVar:

ClinVar aggregate classification (germline): Benign (1 of 4 stars; one submission).

Allele frequency attached by ClinVar (database versions not stated): 1000 Genomes Project 30x 0.98673; 1000 Genomes Project 0.98742; gnomAD 0.98971 and 0.99054; TOPMed 0.98998.
gnomAD v4.1: 150,923 of 152,352 alleles (99%); highest among the groups gnomAD compares: Middle Eastern, 100%; 74,769 homozygotes.

Submission:

GeneDx
Classification: Benign. Last evaluated: 2018-06-18. Review status: criteria provided, single submitter. Criteria: GeneDx Variant Classification (06012015). Collection method: clinical testing. Allele origin: germline. Affected: yes.
Comment: This variant is considered likely benign or benign based on one or more of the following criteria: it is a conservative change, it occurs at a poorly conserved position in the protein, it is predicted to be benign by multiple in silico algorithms, and/or has population frequency not consistent with disease.

NM_001040142.2(SCN2A):c.2016+337T>A

Gene: SCN2A (sodium voltage-gated channel alpha subunit 2; plus strand). Cytogenetic location: 2q24.3.
Variant type: single nucleotide variant.
Coding change: c.2016+337T>A on transcript NM_001040142.2 (MANE Select); 337 bases into the intron after coding-DNA position 2016, T replaced by A.
Molecular consequence: intron variant.
Genome position (GRCh38, 1-based): chr2:165,323,837, T>A. VCF-style: chr2-165323837-T-A. GRCh37 (hg19) VCF-style: chr2-166180347-T-A.
Other names: c.2016+337T>A (NM_001040143.2, NM_001371246.1, NM_001371247.1 and 1 more transcripts).
Identifiers: ClinVar variation 684239 (VCV000684239.1), dbSNP rs777139, ClinGen allele CA59737194.